The following is an entry in ClinVar:

ClinVar aggregate classification (germline): Uncertain significance (1 of 4 stars; one submission).

Submission:

Labcorp Genetics (formerly Invitae), Labcorp
Classification: Uncertain significance. Last evaluated: 2022-02-09. Review status: criteria provided, single submitter. Criteria: Invitae Variant Classification Sherloc (09022015). Collection method: clinical testing. Allele origin: germline.
Comment: This variant has not been reported in the literature in individuals affected with COL2A1-related conditions. This variant is not present in population databases (gnomAD no frequency). This sequence change replaces lysine, which is basic and polar, with threonine, which is neutral and polar, at codon 1312 of the COL2A1 protein (p.Lys1312Thr). Advanced modeling of protein sequence and biophysical properties (such as structural, functional, and spatial information, amino acid conservation, physicochemical variation, residue mobility, and thermodynamic stability) performed at Invitae indicates that this missense variant is not expected to disrupt COL2A1 protein function. In summary, the available evidence is currently insufficient to determine the role of this variant in disease. Therefore, it has been classified as a Variant of Uncertain Significance.

NM_001844.5(COL2A1):c.3935A>C (p.Lys1312Thr)

Gene: COL2A1 (collagen type II alpha 1 chain; minus strand). Cytogenetic location: 12q13.11.
Variant type: single nucleotide variant.
Coding change: c.3935A>C on transcript NM_001844.5 (MANE Select); coding-DNA position 3935, A replaced by C.
Protein change: p.Lys1312Thr; replaces lysine 1312 with threonine.
Molecular consequence: missense variant.
Genome position (GRCh38, 1-based): chr12:47,974,814, T>G on the plus strand (A>C on the coding strand, the complement: COL2A1 is on the minus strand). VCF-style: chr12-47974814-T-G. GRCh37 (hg19) VCF-style: chr12-48368597-T-G.
Other names: c.3728A>C, p.Lys1243Thr (NM_033150.3); short protein forms K1243T, K1312T.
Identifiers: ClinVar variation 1420144 (VCV001420144.6), dbSNP rs2136508728, ClinGen allele CA384536007.
Genomic context (GRCh38, chr12:47,974,814, plus strand): 5'-GGAACGTTTGCTGGATTGGGGTAGACGCAAGTCTCGCCAGTCTCCATGTTGCAGAAAACC[T>G]TCATGGCGTCCAAGGTGCAGCCTTGGTTGGGGTCAATCCAGTAGTCTCCTGCAGGGGGAA-3'
Protein context (NP_001835.3, residues 1302-1322): PNQGCTLDAM[Lys1312Thr]VFCNMETGET